The following is an entry in ClinVar:

ClinVar aggregate classification (germline): Uncertain significance (1 of 4 stars; one submission).

Conditions:
Hereditary cancer-predisposing syndrome. Also called: Neoplastic Syndromes, Hereditary; Tumor predisposition; Hereditary neoplastic syndrome; Hereditary Cancer Syndrome. Identifiers: Orphanet 140162, MedGen C0027672, MeSH D009386, MONDO:0015356.

Submission:

Ambry Genetics
Classification: Uncertain significance for Hereditary cancer-predisposing syndrome. Last evaluated: 2026-07-06. Review status: criteria provided, single submitter. Criteria: Ambry Variant Classification Scheme 2023. Collection method: clinical testing. Allele origin: germline.
Comment: The p.P2402T variant (also known as c.7204C>A), located in coding exon 13 of the BRCA2 gene, results from a C to A substitution at nucleotide position 7204. The proline at codon 2402 is replaced by threonine, an amino acid with highly similar properties. This amino acid position is conserved. In addition, this alteration is predicted to be tolerated by in silico analysis. Based on the available evidence, the clinical significance of this variant remains unclear.

NM_000059.4(BRCA2):c.7204C>A (p.Pro2402Thr)

Gene: BRCA2 (BRCA2 DNA repair associated; plus strand). Cytogenetic location: 13q13.1.
Variant type: single nucleotide variant.
Coding change: c.7204C>A on transcript NM_000059.4 (MANE Select); coding-DNA position 7204, C replaced by A.
Protein change: p.Pro2402Thr; replaces proline 2402 with threonine.
Molecular consequence: missense variant. On other transcripts: non-coding transcript variant (1).
Genome position (GRCh38, 1-based): chr13:32,355,057, C>A. VCF-style: chr13-32355057-C-A. GRCh37 (hg19) VCF-style: chr13-32929194-C-A.
Other names: c.7108C>A, p.Pro2370Thr (NM_001406719.1); c.7204C>A, p.Pro2402Thr (NM_001406720.1, NM_001432077.1); c.2272C>A, p.Pro758Thr (NM_001406721.1); c.787C>A, p.Pro263Thr (NM_001406722.1); short protein forms P2370T, P263T, P758T, P2402T.
Identifiers: ClinVar variation 5033283 (VCV005033283.1).
Genomic context (GRCh38, chr13:32,355,057, plus strand): 5'-TTTTATCAAGTTTCTGCTACAAGAAATGAAAAAATGAGACACTTGATTACTACAGGCAGA[C>A]CAACCAAAGTCTTTGTTCCACCTTTTAAAACTAAATCACATTTTCACAGAGTTGAACAGT-3'
Protein context (NP_000050.3, residues 2392-2412): KMRHLITTGR[Pro2402Thr]TKVFVPPFKT